The following is an entry in ClinVar:

NM_020163.3(SEMA3G):c.56G>A (p.Gly19Glu)

Gene: SEMA3G (semaphorin 3G; minus strand). Cytogenetic location: 3p21.1.
Variant type: single nucleotide variant.
Coding change: c.56G>A on transcript NM_020163.3 (MANE Select); coding-DNA position 56, G replaced by A.
Protein change: p.Gly19Glu; replaces glycine 19 with glutamic acid.
Molecular consequence: missense variant.
Genome position (GRCh38, 1-based): chr3:52,444,972, C>T on the plus strand (G>A on the coding strand, the complement: SEMA3G is on the minus strand). VCF-style: chr3-52444972-C-T. GRCh37 (hg19) VCF-style: chr3-52478988-C-T.
Other names: short protein forms G19E.
Identifiers: ClinVar variation 3029681 (VCV003029681.2), dbSNP rs1156725788, ClinGen allele CA353162620.
Genomic context (GRCh38, chr3:52,444,972, plus strand): 5'-CCTCGGTAGGAGAGCCGCAGGCGGGGCACACTGGGGCCGGGGCTGGGGCCAGAGCTACCC[C>T]CATGGAGCAGGAGGCCCCCTAGCAGCCAGCAAATGGCCCAGGCCGAGGGGGCCATGCTGG-3'
Protein context (NP_064548.1, residues 9-29): CWLLGGLLLH[Gly19Glu]GSSGPSPGPS

ClinVar aggregate classification (germline): Uncertain significance (0 of 4 stars; one submission).

Conditions:
SEMA3G-related disorder. Also called: SEMA3G-related condition.

Submission:

PreventionGenetics, part of Exact Sciences
Classification: Uncertain significance for SEMA3G-related condition. Last evaluated: 2023-11-29. Review status: no assertion criteria provided. Collection method: clinical testing. Allele origin: germline.
Comment: The SEMA3G c.56G>A variant is predicted to result in the amino acid substitution p.Gly19Glu. To our knowledge, this variant has not been reported in the literature or in a large population database, indicating this variant is rare. At this time, the clinical significance of this variant is uncertain due to the absence of conclusive functional and genetic evidence.